The following is an entry in ClinVar:

NM_001364905.1(LRBA):c.5999T>C (p.Leu2000Pro)

Gene: LRBA (LPS responsive beige-like anchor protein; minus strand). Cytogenetic location: 4q31.3.
Variant type: single nucleotide variant.
Coding change: c.5999T>C on transcript NM_001364905.1 (MANE Select); coding-DNA position 5999, T replaced by C.
Protein change: p.Leu2000Pro; replaces leucine 2000 with proline.
Molecular consequence: missense variant.
Genome position (GRCh38, 1-based): chr4:150,599,054, A>G on the plus strand (T>C on the coding strand, the complement: LRBA is on the minus strand). VCF-style: chr4-150599054-A-G. GRCh37 (hg19) VCF-style: chr4-151520206-A-G.
Other names: c.5999T>C, p.Leu2000Pro (NM_001199282.3, NM_001367550.1, NM_006726.5); short protein forms L2000P.
Identifiers: ClinVar variation 1988633 (VCV001988633.4), dbSNP rs2546912234, ClinGen allele CA358606934.

ClinVar aggregate classification (germline): Uncertain significance (1 of 4 stars; one submission).

Conditions:
Combined immunodeficiency due to LRBA deficiency. Also called: Common variable immunodeficiency 8, with autoimmunity. Identifiers: Orphanet 445018, MedGen C3553512, MONDO:0013863, OMIM 614700.

Allele frequency attached by ClinVar (database versions not stated): gnomAD exomes below 0.00001.
gnomAD v4.1: 1 of 1,613,976 alleles (0.000062%); highest among the groups gnomAD compares: Middle Eastern, 0.016%; no homozygotes.

Submission:

Labcorp Genetics (formerly Invitae), Labcorp
Classification: Uncertain significance for Combined immunodeficiency due to LRBA deficiency. Last evaluated: 2023-10-13. Review status: criteria provided, single submitter. Criteria: Invitae Variant Classification Sherloc (09022015). Collection method: clinical testing. Allele origin: germline.
Comment: This sequence change replaces leucine, which is neutral and non-polar, with proline, which is neutral and non-polar, at codon 2000 of the LRBA protein (p.Leu2000Pro). This variant is not present in population databases (gnomAD no frequency). This variant has not been reported in the literature in individuals affected with LRBA-related conditions. ClinVar contains an entry for this variant (Variation ID: 1988633). Advanced modeling of protein sequence and biophysical properties (such as structural, functional, and spatial information, amino acid conservation, physicochemical variation, residue mobility, and thermodynamic stability) performed at Invitae indicates that this missense variant is not expected to disrupt LRBA protein function. In summary, the available evidence is currently insufficient to determine the role of this variant in disease. Therefore, it has been classified as a Variant of Uncertain Significance.